The following is an entry in ClinVar:

ClinVar aggregate classification (germline): Conflicting classifications of pathogenicity. Review status: criteria provided, conflicting classifications (1 of 4 stars). 13 submissions from 13 submitters: Uncertain significance (3); Benign (1); Likely benign (7). 2 of the submissions do not count toward it. Last evaluated 2026-04-01.

Conditions:
NPC1-related disorder. Also called: NPC1-related condition.
Inborn genetic diseases. Identifiers: MedGen C0950123, MeSH D030342.
Niemann-Pick disease, type C1. Also called: NIEMANN-PICK DISEASE, VARIANT TYPE C1; NEUROVISCERAL STORAGE DISEASE WITH VERTICAL SUPRANUCLEAR OPHTHALMOPLEGIA; NIEMANN-PICK DISEASE WITH CHOLESTEROL ESTERIFICATION BLOCK; NIEMANN-PICK DISEASE WITHOUT SPHINGOMYELINASE DEFICIENCY; NIEMANN-PICK DISEASE, CHRONIC NEURONOPATHIC FORM. Identifiers: Orphanet 646, MedGen C3179455, MONDO:0009757, OMIM 257220.

Allele frequency attached by ClinVar (database versions not stated): 1000 Genomes Project 0.00140; gnomAD 0.00329 and 0.00336; TOPMed 0.00372; 1000 Genomes Project 30x 0.00156; ESP Exome Variant Server 0.00454; ExAC 0.00354; gnomAD exomes 0.00558 and 0.00336.
gnomAD v4.1: 8,670 of 1,614,122 alleles (0.54%); highest among the groups gnomAD compares: Non-Finnish European, 0.65%; 37 homozygotes.

Submissions (13):

CeGaT Center for Human Genetics Tuebingen
Classification: Likely benign. Last evaluated: 2026-04-01. Review status: criteria provided, single submitter. Criteria: CeGaT Center For Human Genetics Tuebingen Variant Classification Criteria Version 2. Collection method: clinical testing. Allele origin: germline. Affected: yes. Observed: 15 variant alleles.
Comment: NPC1: BS2

Labcorp Genetics (formerly Invitae), Labcorp
Classification: Likely benign for Niemann-Pick disease, type C1. Last evaluated: 2026-02-03. Review status: criteria provided, single submitter. Criteria: Invitae Variant Classification Sherloc (09022015). Collection method: clinical testing. Allele origin: germline.

Mayo Clinic Laboratories, Mayo Clinic
Classification: Likely benign. Last evaluated: 2025-11-24. Review status: criteria provided, single submitter. Criteria: ACMG Guidelines, 2015. Collection method: clinical testing. Allele origin: germline. Observed: 14 variant alleles.
Comment: BS1, BS2

Blueprint Genetics
Classification: Likely benign. Last evaluated: 2024-11-26. Review status: criteria provided, single submitter. Criteria: ACMG Guidelines, 2015. Collection method: clinical testing. Allele origin: germline.

Women's Health and Genetics/Laboratory Corporation of America, LabCorp
Classification: Likely benign. Last evaluated: 2023-07-21. Review status: criteria provided, single submitter. Criteria: LabCorp Variant Classification Summary - May 2015. Collection method: clinical testing. Allele origin: germline.
Comment: Variant summary: NPC1 c.665A>G (p.Asn222Ser) results in a conservative amino acid change located in the Niemann-Pick C1, N-terminal domain (IPR032190) of the encoded protein sequence. Four of five in-silico tools predict a benign effect of the variant on protein function. The variant allele was found at a frequency of 0.0034 in 250650 control chromosomes (gnomAD), predominantly at a frequency of 0.0051 within the Non-Finnish European subpopulation in the gnomAD database. The observed variant frequency within Non-Finnish European control individuals in the gnomAD database is approximately 2 fold of the estimated maximal expected allele frequency for a pathogenic variant in NPC1 causing Niemann-Pick Disease Type C (0.0027), suggesting that the variant is a benign polymorphism found primarily in populations of Non-Finnish European origin.c.665A>G has been reported in the literature in multiple individuals presenting with varying phenotypes from Niemann-Pick Disease Type C, late-onset/adult and late infantile forms, familial epileptogenic encephalopathy with a peculiar form of degenerative glial tauopathy, neonatal cholestasis, epilepsy and psycotic symptoms, splenomegaly, and low and high HDL-C (Cupidi_2018, DeCastro-Oros_2017, Fancello_2009, Imrie_2007, Park_2003, Romanello_2016, Sadananda_2015, Stampfer_2013, Wassif_2016, Dardis_2020, Touma_2020 and Lopez de Fruto_2021). The variant has presented in isolation (no second NPC1 allele identified), as a compound heterozygote with another pathogenic NPC1 variant (I1061T, P1007A) and in co-occurrence with two additional pathogenic NPC1 variants (I1061T/R958Q - phase is not known). The variant was also detected in homozygous state in one young obese patient without other phenotypic information provided (Liu_2017). These reports do not provide unequivocal conclusions about association of the variant with Niemann-Pick Disease Type C. Experimental evidence evaluating an impact on protein function demonstrated that the variant protein was secreted and showed normal behavior and cellular localization, while protein expression and cholesterol transporting ability were similar to wild type (Liu_2017, Infante_2008). The following publications have been ascertained in the context of this evaluation (PMID: 32138288, 28222799, 30153451, 19252935, 17160617, 17989072, 28130309, 32745579, 12955717, 26790753, 26255038, 23433426, 33990640, 25764212). Nine ClinVar submitters have assessed the variant since 2014: four classified the variant as uncertain significance, four as likely benign, and one as benign. Based on the evidence outlined above, the variant was classified as likely benign.

Ambry Genetics
Classification: Likely benign for Inborn genetic diseases. Last evaluated: 2021-06-25. Review status: criteria provided, single submitter. Criteria: Ambry Variant Classification Scheme 2023. Collection method: clinical testing. Allele origin: germline.

Genome-Nilou Lab
Classification: Uncertain significance for Niemann-Pick disease, type C1. Last evaluated: 2021-05-18. Review status: criteria provided, single submitter. Criteria: ACMG Guidelines, 2015. Collection method: clinical testing. Allele origin: germline. Affected: no.

ARUP Laboratories, Molecular Genetics and Genomics, ARUP Laboratories
Classification: Benign. Last evaluated: 2020-01-06. Review status: criteria provided, single submitter. Criteria: ARUP Molecular Germline Variant Investigation Process. Collection method: clinical testing. Allele origin: germline.

Illumina Laboratory Services, Illumina
Classification: Uncertain significance for Niemann-Pick disease type C1. Last evaluated: 2017-04-27. Review status: criteria provided, single submitter. Criteria: ICSL Variant Classification Criteria 13 December 2019. Collection method: clinical testing. Allele origin: germline.

Eurofins Ntd Llc (ga)
Classification: Likely benign. Last evaluated: 2015-09-22. Review status: criteria provided, single submitter. Criteria: EGL Classification Definitions 2015. Collection method: clinical testing. Allele origin: germline. Observed: 3 variant alleles, 3 heterozygotes.

Center for Pediatric Genomic Medicine, Children's Mercy Hospital and Clinics
Classification: Uncertain significance. Last evaluated: 2015-06-04. Review status: criteria provided, single submitter. Criteria: ACMG Guidelines, 2015. Collection method: clinical testing. Allele origin: germline.
ClinVar note: Converted during submission from Uncertain Significance to Uncertain significance.

Natera, Inc.
Classification: Likely benign for Niemann-Pick disease type C1. Last evaluated: 2019-12-30. Review status: no assertion criteria provided. Collection method: clinical testing. Allele origin: germline. Not counted in ClinVar's aggregate classification.

PreventionGenetics, part of Exact Sciences
Classification: Likely benign for NPC1-related condition. Last evaluated: 2019-05-24. Review status: no assertion criteria provided. Collection method: clinical testing. Allele origin: germline. Not counted in ClinVar's aggregate classification.
Comment: This variant is classified as likely benign based on ACMG/AMP sequence variant interpretation guidelines (Richards et al. 2015 PMID: 25741868, with internal and published modifications).

Literature cited by the submitters: PubMed 12955717 (cited by 3 submitters); PubMed 17160617 (cited by Mayo Clinic Laboratories, Mayo Clinic and Women's Health and Genetics/Laboratory Corporation of America, LabCorp); PubMed 17989072 (cited by Mayo Clinic Laboratories, Mayo Clinic and Women's Health and Genetics/Laboratory Corporation of America, LabCorp); PubMed 19252935 (cited by Mayo Clinic Laboratories, Mayo Clinic and Women's Health and Genetics/Laboratory Corporation of America, LabCorp); PubMed 21245028 (cited by Mayo Clinic Laboratories, Mayo Clinic and Eurofins Ntd Llc (ga)); PubMed 23433426 (cited by Mayo Clinic Laboratories, Mayo Clinic and Women's Health and Genetics/Laboratory Corporation of America, LabCorp); PubMed 24386122 (cited by Mayo Clinic Laboratories, Mayo Clinic); PubMed 25764212 (cited by Mayo Clinic Laboratories, Mayo Clinic and Women's Health and Genetics/Laboratory Corporation of America, LabCorp); PubMed 26790753 (cited by Mayo Clinic Laboratories, Mayo Clinic and Women's Health and Genetics/Laboratory Corporation of America, LabCorp); PubMed 27792009 (cited by Mayo Clinic Laboratories, Mayo Clinic); PubMed 28130309 (cited by Mayo Clinic Laboratories, Mayo Clinic and Women's Health and Genetics/Laboratory Corporation of America, LabCorp); PubMed 28222799 (cited by Mayo Clinic Laboratories, Mayo Clinic and Women's Health and Genetics/Laboratory Corporation of America, LabCorp); PubMed 30153451 (cited by Mayo Clinic Laboratories, Mayo Clinic and Women's Health and Genetics/Laboratory Corporation of America, LabCorp); PubMed 32138288 (cited by Mayo Clinic Laboratories, Mayo Clinic and Women's Health and Genetics/Laboratory Corporation of America, LabCorp); PubMed 37032242 (cited by Mayo Clinic Laboratories, Mayo Clinic); PubMed 38131230 (cited by Mayo Clinic Laboratories, Mayo Clinic); PubMed 39507854 (cited by Mayo Clinic Laboratories, Mayo Clinic); PubMed 40874127 (cited by Mayo Clinic Laboratories, Mayo Clinic); PubMed 26255038 (cited by Women's Health and Genetics/Laboratory Corporation of America, LabCorp); PubMed 32745579 (cited by Women's Health and Genetics/Laboratory Corporation of America, LabCorp); PubMed 33990640 (cited by Women's Health and Genetics/Laboratory Corporation of America, LabCorp).

NM_000271.5(NPC1):c.665A>G (p.Asn222Ser)

Gene: NPC1 (NPC intracellular cholesterol transporter 1; minus strand). Cytogenetic location: 18q11.2.
Variant type: single nucleotide variant.
Coding change: c.665A>G on transcript NM_000271.5 (MANE Select); coding-DNA position 665, A replaced by G.
Protein change: p.Asn222Ser; replaces asparagine 222 with serine.
Molecular consequence: missense variant.
Genome position (GRCh38, 1-based): chr18:23,560,447, T>C on the plus strand (A>G on the coding strand, the complement: NPC1 is on the minus strand). VCF-style: chr18-23560447-T-C. GRCh37 (hg19) VCF-style: chr18-21140411-T-C.
Other names: short protein forms N222S.
Identifiers: ClinVar variation 92715 (VCV000092715.79), dbSNP rs55680026, ClinGen allele CA220566.